The following is an entry in ClinVar:

NM_003922.4(HERC1):c.5409T>A (p.Gly1803=)

Gene: HERC1 (HECT and RLD domain containing E3 ubiquitin protein ligase family member 1; minus strand). Cytogenetic location: 15q22.31.
Variant type: single nucleotide variant.
Coding change: c.5409T>A on transcript NM_003922.4 (MANE Select); coding-DNA position 5409, T replaced by A.
Protein change: p.Gly1803=; no amino-acid change (glycine 1803 retained).
Molecular consequence: synonymous variant.
Genome position (GRCh38, 1-based): chr15:63,694,383, A>T on the plus strand (T>A on the coding strand, the complement: HERC1 is on the minus strand). VCF-style: chr15-63694383-A-T. GRCh37 (hg19) VCF-style: chr15-63986582-A-T.
Identifiers: ClinVar variation 747931 (VCV000747931.31), dbSNP rs200252549, ClinGen allele CA7605546.
Genomic context (GRCh38, chr15:63,694,383, plus strand): 5'-GGCTAGAATCTGGAGCAACCTTGTACTGGCCACTTTCAAAGCTGTGCTAAGCTGGGAAAC[A>T]CCCGTCTTTGGCAACAACTGCAGGGGCTGTCCTAGCATGGTGTCTGTACCACACAACTGT-3'
Protein context (NP_003913.3, residues 1793-1813): GQPLQLLPKT[Gly1803=]VSQLSTALKV

ClinVar aggregate classification (germline): Likely benign. Review status: criteria provided, multiple submitters, no conflicts (2 of 4 stars). 2 submissions from 2 submitters: Likely benign (2). Last evaluated 2025-09-01.

Allele frequency attached by ClinVar (database versions not stated): gnomAD exomes 0.00004 and 0.00012; ExAC 0.00013; 1000 Genomes Project 0.00040; gnomAD 0.00043 and 0.00044; TOPMed 0.00051; ESP Exome Variant Server 0.00066; 1000 Genomes Project 30x 0.00109.
gnomAD v4.1: 134 of 1,613,936 alleles (0.0083%); highest among the groups gnomAD compares: African/African-American, 0.14%; no homozygotes.

Submissions (2):

CeGaT Center for Human Genetics Tuebingen
Classification: Likely benign. Last evaluated: 2025-09-01. Review status: criteria provided, single submitter. Criteria: CeGaT Center For Human Genetics Tuebingen Variant Classification Criteria Version 2. Collection method: clinical testing. Allele origin: germline. Affected: yes. Observed: 2 variant alleles.
Comment: HERC1: BP4, BP7

Labcorp Genetics (formerly Invitae), Labcorp
Classification: Likely benign. Last evaluated: 2025-08-21. Review status: criteria provided, single submitter. Criteria: Invitae Variant Classification Sherloc (09022015). Collection method: clinical testing. Allele origin: germline.